The following is an entry in ClinVar:

NM_001378454.1(ALMS1):c.6203G>C (p.Ser2068Thr)

Gene: ALMS1 (ALMS1 centrosome and basal body associated protein; plus strand). Cytogenetic location: 2p13.1.
Variant type: single nucleotide variant.
Coding change: c.6203G>C on transcript NM_001378454.1 (MANE Select); coding-DNA position 6203, G replaced by C.
Protein change: p.Ser2068Thr; replaces serine 2068 with threonine.
Molecular consequence: missense variant.
Genome position (GRCh38, 1-based): chr2:73,452,730, G>C. VCF-style: chr2-73452730-G-C. GRCh37 (hg19) VCF-style: chr2-73679857-G-C.
Other names: c.6206G>C, p.Ser2069Thr (NM_015120.4); short protein forms S2068T, S2069T.
Identifiers: ClinVar variation 1471577 (VCV001471577.7), dbSNP rs749979595, ClinGen allele CA1714026.
Genomic context (GRCh38, chr2:73,452,730, plus strand): 5'-ATTCTCAAACAGTAAAGCCCAATATTTTATTTCAACAGCAGTTGCCAGATAGAGATCAAA[G>C]TAAAGGTATTCTAAAGATTTCAGCTGTCCCTGAACTAACTGATGTGAATACTGGAAAACC-3'
Protein context (NP_001365383.1, residues 2058-2078): FQQQLPDRDQ[Ser2068Thr]KGILKISAVP

ClinVar aggregate classification (germline): Uncertain significance. Review status: criteria provided, multiple submitters, no conflicts (2 of 4 stars). 2 submissions from 2 submitters: Uncertain significance (2). Last evaluated 2023-10-13.

Conditions:
Alstrom syndrome (ALMS). Identifiers: Orphanet 64, MedGen C0268425, MONDO:0008763, OMIM 203800.

Allele frequency attached by ClinVar (database versions not stated): gnomAD 0.00001; TOPMed 0.00002.
gnomAD v4.1: 2 of 1,613,442 alleles (0.00012%); highest among the groups gnomAD compares: African/African-American, 0.0013%; no homozygotes.

Submissions (2):

Labcorp Genetics (formerly Invitae), Labcorp
Classification: Uncertain significance for Alstrom syndrome. Last evaluated: 2023-10-13. Review status: criteria provided, single submitter. Criteria: Invitae Variant Classification Sherloc (09022015). Collection method: clinical testing. Allele origin: germline.
Comment: This sequence change replaces serine with threonine at codon 2069 of the ALMS1 protein (p.Ser2069Thr). The serine residue is moderately conserved and there is a small physicochemical difference between serine and threonine. This variant is present in population databases (rs749979595, gnomAD 0.007%). This variant has not been reported in the literature in individuals affected with ALMS1-related conditions. ClinVar contains an entry for this variant (Variation ID: 1471577). Experimental studies and prediction algorithms are not available or were not evaluated, and the functional significance of this variant is currently unknown. In summary, the available evidence is currently insufficient to determine the role of this variant in disease. Therefore, it has been classified as a Variant of Uncertain Significance.

Fulgent Genetics
Classification: Uncertain significance for Alstrom syndrome. Last evaluated: 2022-02-03. Review status: criteria provided, single submitter. Criteria: ACMG Guidelines, 2015. Collection method: clinical testing. Allele origin: unknown.